The following is an entry in ClinVar:

NM_033305.3(VPS13A):c.2287A>G (p.Lys763Glu)

Gene: VPS13A (vacuolar protein sorting 13 homolog A; plus strand). Cytogenetic location: 9q21.2.
Variant type: single nucleotide variant.
Coding change: c.2287A>G on transcript NM_033305.3 (MANE Select); coding-DNA position 2287, A replaced by G.
Protein change: p.Lys763Glu; replaces lysine 763 with glutamic acid.
Molecular consequence: missense variant.
Genome position (GRCh38, 1-based): chr9:77,252,351, A>G. VCF-style: chr9-77252351-A-G. GRCh37 (hg19) VCF-style: chr9-79867267-A-G.
Other names: c.2287A>G, p.Lys763Glu (NM_001018037.2, NM_001018038.3, NM_015186.4); short protein forms K763E.
Identifiers: ClinVar variation 1368709 (VCV001368709.8), dbSNP rs2131272146, ClinGen allele CA373851071.

ClinVar aggregate classification (germline): Uncertain significance (1 of 4 stars; one submission).

Submission:

Labcorp Genetics (formerly Invitae), Labcorp
Classification: Uncertain significance. Last evaluated: 2021-07-20. Review status: criteria provided, single submitter. Criteria: Invitae Variant Classification Sherloc (09022015). Collection method: clinical testing. Allele origin: germline.
Comment: In summary, the available evidence is currently insufficient to determine the role of this variant in disease. Therefore, it has been classified as a Variant of Uncertain Significance. Algorithms developed to predict the effect of missense changes on protein structure and function (SIFT, PolyPhen-2, Align-GVGD) all suggest that this variant is likely to be tolerated. This variant has not been reported in the literature in individuals affected with VPS13A-related conditions. This variant is not present in population databases (ExAC no frequency). This sequence change replaces lysine with glutamic acid at codon 763 of the VPS13A protein (p.Lys763Glu). The lysine residue is moderately conserved and there is a small physicochemical difference between lysine and glutamic acid.